The following is an entry in ClinVar:

ClinVar aggregate classification (germline): Uncertain significance. Review status: criteria provided, multiple submitters, no conflicts (2 of 4 stars). 4 submissions from 4 submitters: Uncertain significance (4). Last evaluated 2026-05-23.

Conditions:
Nephronophthisis 4 (NPHP4). Also called: NEPHRONOPHTHISIS 4, JUVENILE. Identifiers: Orphanet 655, MedGen C1847013, MONDO:0011752, OMIM 606966.
Senior-Loken syndrome 4 (SLSN4). Identifiers: Orphanet 3156, MedGen C1846979, MONDO:0011756, OMIM 606996.
NPHP4-related disorder. Also called: NPHP4-related disorders; NPHP4-related condition. Identifiers: MedGen CN239384.
Nephronophthisis. Also called: Juvenile Nephronophthisis. Identifiers: Orphanet 655, MedGen C0687120, MONDO:0019005, HP:0000090.

Allele frequency attached by ClinVar (database versions not stated): ExAC 0.00003; TOPMed 0.00003; gnomAD exomes 0.00004 and 0.00005; gnomAD 0.00005.
gnomAD v4.1: 78 of 1,613,488 alleles (0.0048%); highest among the groups gnomAD compares: Non-Finnish European, 0.005%; no homozygotes.

Submissions (4):

PreventionGenetics, part of Exact Sciences
Classification: Uncertain significance for NPHP4-related condition. Last evaluated: 2026-05-23. Review status: criteria provided, single submitter. Criteria: ACMG Guidelines, 2015. Collection method: clinical testing. Allele origin: germline.
Comment: The NPHP4 c.3037G>A variant is predicted to result in the amino acid substitution p.Glu1013Lys. This variant was reported, along with the p.Arg772Cys variant, in the homozygous state in an individual with focal segmental glomerulosclerosis (Mistry et al. 2007. PubMed ID: 17954299). This variant was also described in a large cohort of individuals with nephronophthisis, although no additional clinical or genetic information was provided (supplementary data, König et al. 2022. PubMed ID: 36090483). This variant is reported in 0.0070% of alleles in individuals of European (Non-Finnish) descent in gnomAD. At this time, the clinical significance of this variant is uncertain due to the absence of conclusive functional and genetic evidence.

Labcorp Genetics (formerly Invitae), Labcorp
Classification: Uncertain significance for Nephronophthisis. Last evaluated: 2025-10-26. Review status: criteria provided, single submitter. Criteria: Invitae Variant Classification Sherloc (09022015). Collection method: clinical testing. Allele origin: germline.
Comment: This sequence change replaces glutamic acid, which is acidic and polar, with lysine, which is basic and polar, at codon 1013 of the NPHP4 protein (p.Glu1013Lys). This variant is present in population databases (rs771042265, gnomAD 0.006%). This missense change has been observed in individual(s) with kidney disease (PMID: 17954299). ClinVar contains an entry for this variant (Variation ID: 595973). Invitae Evidence Modeling of protein sequence and biophysical properties (such as structural, functional, and spatial information, amino acid conservation, physicochemical variation, residue mobility, and thermodynamic stability) indicates that this missense variant is expected to disrupt NPHP4 protein function with a positive predictive value of 80%. In summary, the available evidence is currently insufficient to determine the role of this variant in disease. Therefore, it has been classified as a Variant of Uncertain Significance.

Fulgent Genetics
Classification: Uncertain significance for Nephronophthisis 4; Senior-Loken syndrome 4. Last evaluated: 2024-03-25. Review status: criteria provided, single submitter. Criteria: ACMG Guidelines, 2015. Collection method: clinical testing. Allele origin: germline.

Eurofins Ntd Llc (ga)
Classification: Uncertain significance. Last evaluated: 2018-02-06. Review status: criteria provided, single submitter. Criteria: EGL Classification Definitions 2015. Collection method: clinical testing. Allele origin: germline. Observed: 1 variant allele, 1 heterozygote.

Literature cited by the submitters: PubMed 17954299 (cited by Labcorp Genetics (formerly Invitae), Labcorp).

NM_015102.5(NPHP4):c.3037G>A (p.Glu1013Lys)

Gene: NPHP4 (nephrocystin 4; minus strand). Cytogenetic location: 1p36.31.
Variant type: single nucleotide variant.
Coding change: c.3037G>A on transcript NM_015102.5 (MANE Select); coding-DNA position 3037, G replaced by A.
Protein change: p.Glu1013Lys; replaces glutamic acid 1013 with lysine.
Molecular consequence: missense variant. On other transcripts: non-coding transcript variant (1).
Genome position (GRCh38, 1-based): chr1:5,874,881, C>T on the plus strand (G>A on the coding strand, the complement: NPHP4 is on the minus strand). VCF-style: chr1-5874881-C-T. GRCh37 (hg19) VCF-style: chr1-5934941-C-T.
Other names: c.1498G>A, p.Glu500Lys (NM_001291593.2); c.1501G>A, p.Glu501Lys (NM_001291594.2); c.3037G>A (NM_015102.4); short protein forms E1013K, E500K, E501K.
Identifiers: ClinVar variation 595973 (VCV000595973.15), dbSNP rs771042265, ClinGen allele CA553837.